The following is an entry in ClinVar:

ClinVar aggregate classification (germline): Uncertain significance (1 of 4 stars; one submission).

Conditions:
Hereditary pancreatitis (PCTT). Also called: Hereditary chronic pancreatitis; PRSS1-Related Hereditary Pancreatitis. Identifiers: Orphanet 676, MedGen C0238339, MONDO:0008185, OMIM 167800.

Allele frequency attached by ClinVar (database versions not stated): gnomAD exomes below 0.00001.

Submission:

Ambry Genetics
Classification: Uncertain significance for Hereditary pancreatitis. Last evaluated: 2025-11-04. Review status: criteria provided, single submitter. Criteria: Ambry Variant Classification Scheme 2023. Collection method: clinical testing. Allele origin: germline.
Comment: The p.E127G variant (also known as c.380A>G), located in coding exon 3 of the CPA1 gene, results from an A to G substitution at nucleotide position 380. The glutamic acid at codon 127 is replaced by glycine, an amino acid with similar properties. This amino acid position is conserved. In addition, the in silico prediction for this alteration is inconclusive. Since supporting evidence is limited at this time, the clinical significance of this alteration remains unclear.

NM_001868.4(CPA1):c.380A>G (p.Glu127Gly)

Gene: CPA1 (carboxypeptidase A1; plus strand). Cytogenetic location: 7q32.2.
Variant type: single nucleotide variant.
Coding change: c.380A>G on transcript NM_001868.4 (MANE Select); coding-DNA position 380, A replaced by G.
Protein change: p.Glu127Gly; replaces glutamic acid 127 with glycine.
Molecular consequence: missense variant.
Genome position (GRCh38, 1-based): chr7:130,381,862, A>G. VCF-style: chr7-130381862-A-G. GRCh37 (hg19) VCF-style: chr7-130021703-A-G.
Other names: short protein forms E127G.
Identifiers: ClinVar variation 1735123 (VCV001735123.3), dbSNP rs1554411252, ClinGen allele CA369280586.
Genomic context (GRCh38, chr7:130,381,862, plus strand): 5'-TCCGGTCCCGGGCGCGCTCCACCGACACTTTTAACTACGCCACCTACCACACCCTGGAGG[A>G]GGTGAGGGCGCCCCTAGCGGCCGCTCCCTGCAGCCACCAGCTCTTCATCATGGCTGGTAG-3'
Protein context (NP_001859.1, residues 117-137): FNYATYHTLE[Glu127Gly]IYDFLDLLVA